The following is an entry in ClinVar:

NM_000059.4(BRCA2):c.3224G>C (p.Ser1075Thr)

Gene: BRCA2 (BRCA2 DNA repair associated; plus strand). Cytogenetic location: 13q13.1.
Variant type: single nucleotide variant.
Coding change: c.3224G>C on transcript NM_000059.4 (MANE Select); coding-DNA position 3224, G replaced by C.
Protein change: p.Ser1075Thr; replaces serine 1075 with threonine.
Molecular consequence: missense variant.
Genome position (GRCh38, 1-based): chr13:32,337,579, G>C. VCF-style: chr13-32337579-G-C. GRCh37 (hg19) VCF-style: chr13-32911716-G-C.
Other names: c.3224G>C, p.Ser1075Thr (NM_001406719.1, NM_001406720.1); short protein forms S1075T.
Identifiers: ClinVar variation 1720169 (VCV001720169.7), dbSNP rs2137494493, ClinGen allele CA387775910.

ClinVar aggregate classification (germline): Conflicting classifications of pathogenicity. Review status: criteria provided, conflicting classifications (1 of 4 stars). 2 submissions from 2 submitters: Uncertain significance (1); Likely benign (1). Last evaluated 2023-03-23.

Conditions:
Hereditary cancer-predisposing syndrome. Also called: Hereditary neoplastic syndrome; Neoplastic Syndromes, Hereditary; Hereditary Cancer Syndrome; Tumor predisposition. Identifiers: Orphanet 140162, MedGen C0027672, MeSH D009386, MONDO:0015356.
Hereditary breast ovarian cancer syndrome. Also called: BRCA1- and BRCA2-Associated Hereditary Breast and Ovarian Cancer; Hereditary breast and ovarian cancer syndrome (HBOC); Hereditary breast and/or ovarian cancer syndrome; Hereditary breast and ovarian cancer syndrome; Hereditary breast and ovarian cancer; Breast and ovarian cancer. Identifiers: Orphanet 145, MedGen C0677776, MeSH D061325, MONDO:0003582. Disease mechanism: loss of function.

Submissions (2):

University of Washington Department of Laboratory Medicine, University of Washington
Classification: Likely benign for Hereditary cancer-predisposing syndrome. Last evaluated: 2023-03-23. Review status: criteria provided, single submitter. Criteria: Dines et al. (Genet Med. 2020). Collection method: curation. Allele origin: germline.
Comment: Missense variant in a coldspot region where missense variants are very unlikely to be pathogenic (PMID:31911673).

BRCA2 exon 11 coldspot. Reclassification based on statistical prior probability.

Labcorp Genetics (formerly Invitae), Labcorp
Classification: Uncertain significance for Hereditary breast ovarian cancer syndrome. Last evaluated: 2022-09-23. Review status: criteria provided, single submitter. Criteria: Invitae Variant Classification Sherloc (09022015). Collection method: clinical testing. Allele origin: germline.
Comment: This variant has not been reported in the literature in individuals affected with BRCA2-related conditions. In summary, the available evidence is currently insufficient to determine the role of this variant in disease. Therefore, it has been classified as a Variant of Uncertain Significance. Advanced modeling of protein sequence and biophysical properties (such as structural, functional, and spatial information, amino acid conservation, physicochemical variation, residue mobility, and thermodynamic stability) performed at Invitae indicates that this missense variant is not expected to disrupt BRCA2 protein function. This variant is not present in population databases (gnomAD no frequency). This sequence change replaces serine, which is neutral and polar, with threonine, which is neutral and polar, at codon 1075 of the BRCA2 protein (p.Ser1075Thr).